The following is an entry in ClinVar:

NM_198465.4(NRK):c.1628A>G (p.Asn543Ser)

Gene: NRK (Nik related kinase; plus strand). Cytogenetic location: Xq22.3.
Variant type: single nucleotide variant.
Coding change: c.1628A>G on transcript NM_198465.4 (MANE Select); coding-DNA position 1628, A replaced by G.
Protein change: p.Asn543Ser; replaces asparagine 543 with serine.
Molecular consequence: missense variant.
Genome position (GRCh38, 1-based): chrX:105,909,269, A>G. VCF-style: chrX-105909269-A-G. GRCh37 (hg19) VCF-style: chrX-105153261-A-G.
Other names: short protein forms N543S.
Identifiers: ClinVar variation 4559204 (VCV004559204.1).

ClinVar aggregate classification (germline): Uncertain significance (1 of 4 stars; one submission).

Submission:

Ambry Genetics
Classification: Uncertain significance. Last evaluated: 2025-09-22. Review status: criteria provided, single submitter. Criteria: Ambry Variant Classification Scheme 2023. Collection method: clinical testing. Allele origin: germline.
Comment: The c.1628A>G (p.N543S) alteration is located in exon 13 (coding exon 13) of the NRK gene. This alteration results from a A to G substitution at nucleotide position 1628, causing the asparagine (N) at amino acid position 543 to be replaced by a serine (S). Based on data from gnomAD, the G allele has an overall frequency of 0.001% (2/169744) total alleles studied. The highest observed frequency was 0.016% (2/12632) of East Asian alleles. Based on insufficient or conflicting evidence, the clinical significance of this alteration remains unclear.